The following is an entry in ClinVar:

ClinVar aggregate classification (germline): Conflicting classifications of pathogenicity. Review status: criteria provided, conflicting classifications (1 of 4 stars). 2 submissions from 2 submitters: Uncertain significance (1); Likely benign (1). Last evaluated 2025-11-17.

Conditions:
Baller-Gerold syndrome (BGS). Also called: CRANIOSYNOSTOSIS WITH RADIAL DEFECTS. Identifiers: Orphanet 1225, MedGen C0265308, MONDO:0009039, OMIM 218600.

Allele frequency attached by ClinVar (database versions not stated): gnomAD 0.00006 and 0.00007.
gnomAD v4.1: 45 of 1,610,126 alleles (0.0028%); highest among the groups gnomAD compares: African/African-American, 0.02%; no homozygotes.

Submissions (2):

Labcorp Genetics (formerly Invitae), Labcorp
Classification: Uncertain significance for Baller-Gerold syndrome. Last evaluated: 2025-11-17. Review status: criteria provided, single submitter. Criteria: Invitae Variant Classification Sherloc (09022015). Collection method: clinical testing. Allele origin: germline.
Comment: This sequence change falls in intron 13 of the RECQL4 gene. It does not directly change the encoded amino acid sequence of the RECQL4 protein. It affects a nucleotide within the consensus splice site. This variant is present in population databases (rs776670526, gnomAD 0.03%). This variant has not been reported in the literature in individuals affected with RECQL4-related conditions. ClinVar contains an entry for this variant (Variation ID: 528931). Variants that disrupt the consensus splice site are a relatively common cause of aberrant splicing (PMID: 17576681, 9536098). Algorithms developed to predict the effect of sequence changes on RNA splicing suggest that this variant may disrupt the consensus splice site. In summary, the available evidence is currently insufficient to determine the role of this variant in disease. Therefore, it has been classified as a Variant of Uncertain Significance.

Blueprint Genetics
Classification: Likely benign. Last evaluated: 2022-04-14. Review status: criteria provided, single submitter. Criteria: ACMG Guidelines, 2015. Collection method: clinical testing. Allele origin: germline.

Literature cited by the submitters: PubMed 17576681 (cited by Labcorp Genetics (formerly Invitae), Labcorp); PubMed 9536098 (cited by Labcorp Genetics (formerly Invitae), Labcorp).

NM_004260.4(RECQL4):c.2200+4C>T

Gene: RECQL4 (RecQ like helicase 4; minus strand). Cytogenetic location: 8q24.3.
Variant type: single nucleotide variant.
Coding change: c.2200+4C>T on transcript NM_004260.4 (MANE Select); 4 bases into the intron after coding-DNA position 2200, C replaced by T.
Molecular consequence: intron variant.
Genome position (GRCh38, 1-based): chr8:144,513,567, G>A on the plus strand (C>T on the coding strand, the complement: RECQL4 is on the minus strand). VCF-style: chr8-144513567-G-A. GRCh37 (hg19) VCF-style: chr8-145738951-G-A.
Identifiers: ClinVar variation 528931 (VCV000528931.8), dbSNP rs776670526, ClinGen allele CA4948423.